The following is an entry in ClinVar:

NM_001613.4(ACTA2):c.1009C>T (p.Arg337Cys)

Genes: ACTA2-AS1 (ACTA2 antisense RNA 1; plus strand), ACTA2 (actin alpha 2, smooth muscle; minus strand). Cytogenetic location: 10q23.31.
Variant type: single nucleotide variant.
Coding change: c.1009C>T on transcript NM_001613.4 (MANE Select); coding-DNA position 1009, C replaced by T.
Protein change: p.Arg337Cys; replaces arginine 337 with cysteine.
Molecular consequence: missense variant. On other transcripts: non-coding transcript variant (1).
Genome position (GRCh38, 1-based): chr10:88,935,348, G>A on the plus strand (C>T on the coding strand, the complement: ACTA2 is on the minus strand). VCF-style: chr10-88935348-G-A. GRCh37 (hg19) VCF-style: chr10-90695105-G-A.
Other names: c.1009C>T, p.Arg337Cys (NM_001141945.3, NM_001320855.2, NM_001406462.1 and 2 more transcripts); c.898C>T, p.Arg300Cys (NM_001406466.1); c.880C>T, p.Arg294Cys (NM_001406467.1, NM_001406468.1, NM_001406469.1); c.817C>T, p.Arg273Cys (NM_001406471.1); short protein forms R337C, R273C, R294C, R300C.
Identifiers: ClinVar variation 1172384 (VCV001172384.9), dbSNP rs1845713745, ClinGen allele CA377510594.

ClinVar aggregate classification (germline): Uncertain significance. Review status: criteria provided, multiple submitters, no conflicts (2 of 4 stars). 3 submissions from 3 submitters: Uncertain significance (3). Last evaluated 2024-03-06.

Conditions:
Familial thoracic aortic aneurysm and aortic dissection (TAAD). Also called: Thoracic aortic aneurysms and dissections. Identifiers: Orphanet 91387, MedGen C4707243, MONDO:0019625.
Aortic aneurysm, familial thoracic 6 (AAT6). Also called: FAMILIAL THORACIC AORTIC ANEURYSM WITH LIVEDO RETICULARIS AND IRIS FLOCCULI. Identifiers: MedGen C2673186, MONDO:0012730, OMIM 611788.

Allele frequency attached by ClinVar (database versions not stated): TOPMed below 0.00001.

Submissions (3):

Color Diagnostics, LLC DBA Color Health
Classification: Uncertain significance for Familial thoracic aortic aneurysm and aortic dissection. Last evaluated: 2024-03-06. Review status: criteria provided, single submitter. Criteria: ACMG Guidelines, 2015. Collection method: clinical testing. Allele origin: germline.
Comment: This missense variant replaces arginine with cysteine at codon 337 of the ACTA2 protein. Computational prediction suggests that this variant may have deleterious impact on protein structure and function (internally defined REVEL score threshold >= 0.7, PMID: 27666373). To our knowledge, functional studies have not been reported for this variant. This variant has not been reported in individuals affected with cardiovascular disorders in the literature. This variant has not been identified in the general population by the Genome Aggregation Database (gnomAD). The available evidence is insufficient to determine the role of this variant in disease conclusively. Therefore, this variant is classified as a Variant of Uncertain Significance.

Labcorp Genetics (formerly Invitae), Labcorp
Classification: Uncertain significance for Aortic aneurysm, familial thoracic 6. Last evaluated: 2024-02-26. Review status: criteria provided, single submitter. Criteria: Invitae Variant Classification Sherloc (09022015). Collection method: clinical testing. Allele origin: germline.
Comment: This sequence change replaces arginine, which is basic and polar, with cysteine, which is neutral and slightly polar, at codon 337 of the ACTA2 protein (p.Arg337Cys). This variant is not present in population databases (gnomAD no frequency). This variant has not been reported in the literature in individuals affected with ACTA2-related conditions. ClinVar contains an entry for this variant (Variation ID: 1172384). Advanced modeling of protein sequence and biophysical properties (such as structural, functional, and spatial information, amino acid conservation, physicochemical variation, residue mobility, and thermodynamic stability) has been performed at Invitae for this missense variant, however the output from this modeling did not meet the statistical confidence thresholds required to predict the impact of this variant on ACTA2 protein function. In summary, the available evidence is currently insufficient to determine the role of this variant in disease. Therefore, it has been classified as a Variant of Uncertain Significance.

Ambry Genetics
Classification: Uncertain significance for Familial thoracic aortic aneurysm and aortic dissection. Last evaluated: 2020-09-15. Review status: criteria provided, single submitter. Criteria: Ambry Variant Classification Scheme 2023. Collection method: clinical testing. Allele origin: germline.
Comment: The p.R337C variant (also known as c.1009C>T), located in coding exon 8 of the ACTA2 gene, results from a C to T substitution at nucleotide position 1009. The arginine at codon 337 is replaced by cysteine, an amino acid with highly dissimilar properties. This amino acid position is highly conserved in available vertebrate species. In addition, this alteration is predicted to be deleterious by in silico analysis. Since supporting evidence is limited at this time, the clinical significance of this alteration remains unclear.